The following is an entry in ClinVar:

NM_000264.5(PTCH1):c.3936G>A (p.Trp1312Ter)

Gene: PTCH1 (patched 1; minus strand). Cytogenetic location: 9q22.32.
Variant type: single nucleotide variant.
Coding change: c.3936G>A on transcript NM_000264.5 (MANE Select); coding-DNA position 3936, G replaced by A.
Protein change: p.Trp1312Ter; replaces tryptophan 1312 with a stop codon.
Molecular consequence: nonsense. On other transcripts: non-coding transcript variant (1).
Genome position (GRCh38, 1-based): chr9:95,447,320, C>T on the plus strand (G>A on the coding strand, the complement: PTCH1 is on the minus strand). VCF-style: chr9-95447320-C-T. GRCh37 (hg19) VCF-style: chr9-98209602-C-T.
Other names: c.3738G>A, p.Trp1246Ter (NM_001083602.3); c.3933G>A, p.Trp1311Ter (NM_001083603.3); c.3483G>A, p.Trp1161Ter (NM_001083604.3, NM_001083605.3, NM_001083606.3 and 1 more transcripts); c.3780G>A, p.Trp1260Ter (NM_001354918.2); short protein forms W1246*, W1311*, W1312*, W1161*, W1260*.
Identifiers: ClinVar variation 1376775 (VCV001376775.8), dbSNP rs1360926879, ClinGen allele CA374110633.

ClinVar aggregate classification (germline): Uncertain significance. Review status: criteria provided, multiple submitters, no conflicts (2 of 4 stars). 3 submissions from 3 submitters: Uncertain significance (3). Last evaluated 2026-01-12.

Conditions:
Gorlin syndrome. Also called: Nevoid Basal Cell Carcinoma Syndrome; Basal cell nevus syndrome. Identifiers: Orphanet 377, MedGen C0004779, MONDO:0007187.

Submissions (3):

Labcorp Genetics (formerly Invitae), Labcorp
Classification: Uncertain significance for Gorlin syndrome. Last evaluated: 2026-01-12. Review status: criteria provided, single submitter. Criteria: Invitae Variant Classification Sherloc (09022015). Collection method: clinical testing. Allele origin: germline.
Comment: This sequence change creates a premature translational stop signal (p.Trp1312*) in the PTCH1 gene. While this is not anticipated to result in nonsense mediated decay, it is expected to disrupt the last 136 amino acid(s) of the PTCH1 protein. This variant is not present in population databases (gnomAD no frequency). This variant has not been reported in the literature in individuals affected with PTCH1-related conditions. ClinVar contains an entry for this variant (Variation ID: 1376775). Experimental studies and prediction algorithms are not available or were not evaluated, and the functional significance of this variant is currently unknown. In summary, the available evidence is currently insufficient to determine the role of this variant in disease. Therefore, it has been classified as a Variant of Uncertain Significance.

Center for Genomic Medicine, Rigshospitalet, Copenhagen University Hospital
Classification: Uncertain significance. Last evaluated: 2025-03-04. Review status: criteria provided, single submitter. Criteria: ACMG Guidelines, 2015. Collection method: clinical testing. Allele origin: germline.

Blueprint Genetics
Classification: Uncertain significance. Last evaluated: 2024-06-19. Review status: criteria provided, single submitter. Criteria: ACMG Guidelines, 2015. Collection method: clinical testing. Allele origin: germline.

Literature cited by the submitters: PubMed 27618451 (cited by Center for Genomic Medicine, Rigshospitalet, Copenhagen University Hospital).